The following is an entry in ClinVar:

NM_001042517.2(DIAPH3):c.2914G>A (p.Glu972Lys)

Gene: DIAPH3 (diaphanous related formin 3; minus strand). Cytogenetic location: 13q21.2.
Variant type: single nucleotide variant.
Coding change: c.2914G>A on transcript NM_001042517.2 (MANE Select); coding-DNA position 2914, G replaced by A.
Protein change: p.Glu972Lys; replaces glutamic acid 972 with lysine.
Molecular consequence: missense variant.
Genome position (GRCh38, 1-based): chr13:59,833,220, C>T on the plus strand (G>A on the coding strand, the complement: DIAPH3 is on the minus strand). VCF-style: chr13-59833220-C-T. GRCh37 (hg19) VCF-style: chr13-60407354-C-T.
Other names: c.2881G>A, p.Glu961Lys (NM_001258366.2); c.2776G>A, p.Glu926Lys (NM_001258367.2); c.2704G>A, p.Glu902Lys (NM_001258368.2); c.2914G>A, p.Glu972Lys (NM_001258369.2); c.2125G>A, p.Glu709Lys (NM_030932.4); short protein forms E902K, E926K, E961K, E709K, E972K.
Identifiers: ClinVar variation 1515138 (VCV001515138.8), dbSNP rs781747042, ClinGen allele CA6996239.

ClinVar aggregate classification (germline): Uncertain significance (1 of 4 stars; one submission).

Allele frequency attached by ClinVar (database versions not stated): gnomAD 0.00001; ExAC 0.00003; gnomAD exomes 0.00004.
gnomAD v4.1: 43 of 1,609,446 alleles (0.0027%); highest among the groups gnomAD compares: Middle Eastern, 0.066%; no homozygotes.

Submission:

Labcorp Genetics (formerly Invitae), Labcorp
Classification: Uncertain significance. Last evaluated: 2025-10-02. Review status: criteria provided, single submitter. Criteria: Invitae Variant Classification Sherloc (09022015). Collection method: clinical testing. Allele origin: germline.
Comment: This sequence change replaces glutamic acid, which is acidic and polar, with lysine, which is basic and polar, at codon 972 of the DIAPH3 protein (p.Glu972Lys). This variant is present in population databases (rs781747042, gnomAD 0.02%). This variant has not been reported in the literature in individuals affected with DIAPH3-related conditions. ClinVar contains an entry for this variant (Variation ID: 1515138). An algorithm developed to predict the effect of missense changes on protein structure and function (PolyPhen-2) suggests that this variant is likely to be tolerated. In summary, the available evidence is currently insufficient to determine the role of this variant in disease. Therefore, it has been classified as a Variant of Uncertain Significance.